The following is an entry in ClinVar:

NM_000494.4(COL17A1):c.662G>A (p.Trp221Ter)

Gene: COL17A1 (collagen type XVII alpha 1 chain; minus strand). Cytogenetic location: 10q25.1.
Variant type: single nucleotide variant.
Coding change: c.662G>A on transcript NM_000494.4 (MANE Select); coding-DNA position 662, G replaced by A.
Protein change: p.Trp221Ter; replaces tryptophan 221 with a stop codon.
Molecular consequence: nonsense.
Genome position (GRCh38, 1-based): chr10:104,064,542, C>T on the plus strand (G>A on the coding strand, the complement: COL17A1 is on the minus strand). VCF-style: chr10-104064542-C-T. GRCh37 (hg19) VCF-style: chr10-105824300-C-T.
Other names: c.662G>A, p.Trp221Ter (LRG_1249t1); short protein forms W221*.
Identifiers: ClinVar variation 489231 (VCV000489231.3), dbSNP rs1554850239, ClinGen allele CA378077490.

ClinVar aggregate classification (germline): Pathogenic (1 of 4 stars; one submission).

Allele frequency attached by ClinVar (database versions not stated): gnomAD exomes below 0.00001; gnomAD 0.00001.
gnomAD v4.1: 2 of 1,613,924 alleles (0.00012%); highest among the groups gnomAD compares: Non-Finnish European, 0.00017%; no homozygotes.

Submission:

GeneDx
Classification: Pathogenic. Last evaluated: 2020-03-05. Review status: criteria provided, single submitter. Criteria: GeneDx Variant Classification Process June 2021. Collection method: clinical testing. Allele origin: germline. Affected: yes.
Comment: Nonsense variant predicted to result in protein truncation or nonsense mediated decay in a gene for which loss-of-function is a known mechanism of disease; Not observed in large population cohorts (Lek et al., 2016); Has not been previously published as pathogenic or benign to our knowledge